The following is an entry in ClinVar:

NM_001903.5(CTNNA1):c.47A>G (p.Lys16Arg)

Gene: CTNNA1 (catenin alpha 1; plus strand). Cytogenetic location: 5q31.2.
Variant type: single nucleotide variant.
Coding change: c.47A>G on transcript NM_001903.5 (MANE Select); coding-DNA position 47, A replaced by G.
Protein change: p.Lys16Arg; replaces lysine 16 with arginine.
Molecular consequence: missense variant. On other transcripts: 5 prime UTR variant (2).
Genome position (GRCh38, 1-based): chr5:138,781,971, A>G. VCF-style: chr5-138781971-A-G. GRCh37 (hg19) VCF-style: chr5-138117660-A-G.
Other names: c.47A>G, p.Lys16Arg (NM_001290307.3, NM_001323982.2, NM_001323983.1 and 3 more transcripts); c.-67A>G (NM_001290309.3); c.-160A>G (NM_001290310.3); short protein forms K16R.
Identifiers: ClinVar variation 1714255 (VCV001714255.6), dbSNP rs1276738001, ClinGen allele CA361477122.

ClinVar aggregate classification (germline): Uncertain significance. Review status: criteria provided, multiple submitters, no conflicts (2 of 4 stars). 2 submissions from 2 submitters: Uncertain significance (2). Last evaluated 2023-09-04.

Conditions:
Patterned macular dystrophy 2. Identifiers: Orphanet 99001, MedGen C1837029, MONDO:0012162, OMIM 608970.

Submissions (2):

Baylor Genetics
Classification: Uncertain significance for Patterned macular dystrophy 2. Last evaluated: 2023-09-04. Review status: criteria provided, single submitter. Criteria: ACMG Guidelines, 2015. Collection method: clinical testing. Allele origin: unknown.

Labcorp Genetics (formerly Invitae), Labcorp
Classification: Uncertain significance. Last evaluated: 2022-07-31. Review status: criteria provided, single submitter. Criteria: Invitae Variant Classification Sherloc (09022015). Collection method: clinical testing. Allele origin: germline.
Comment: In summary, the available evidence is currently insufficient to determine the role of this variant in disease. Therefore, it has been classified as a Variant of Uncertain Significance. Algorithms developed to predict the effect of missense changes on protein structure and function are either unavailable or do not agree on the potential impact of this missense change (SIFT: "Deleterious"; PolyPhen-2: "Benign"; Align-GVGD: "Class C0"). This variant has not been reported in the literature in individuals affected with CTNNA1-related conditions. This variant is not present in population databases (gnomAD no frequency). This sequence change replaces lysine, which is basic and polar, with arginine, which is basic and polar, at codon 16 of the CTNNA1 protein (p.Lys16Arg).